The following is an entry in ClinVar:

NM_001358530.2(MOCS1):c.1278A>T (p.Gly426=)

Gene: MOCS1 (molybdenum cofactor synthesis 1; minus strand). Cytogenetic location: 6p21.2.
Variant type: single nucleotide variant.
Coding change: c.1278A>T on transcript NM_001358530.2 (MANE Select); coding-DNA position 1278, A replaced by T.
Protein change: p.Gly426=; no amino-acid change (glycine 426 retained).
Molecular consequence: synonymous variant. On other transcripts: 3 prime UTR variant (4), non-coding transcript variant (1).
Genome position (GRCh38, 1-based): chr6:39,906,990, T>A on the plus strand (A>T on the coding strand, the complement: MOCS1 is on the minus strand). VCF-style: chr6-39906990-T-A. GRCh37 (hg19) VCF-style: chr6-39874766-T-A.
Other names: c.*135A>T (NM_001075098.4, NM_001358533.2, NM_001358534.2 and 1 more transcripts); c.1230A>T, p.Gly410= (NM_001358529.2); c.1017A>T, p.Gly339= (NM_001358531.2).
Identifiers: ClinVar variation 2114479 (VCV002114479.4), dbSNP rs2482259734, ClinGen allele CA2580074487.
Genomic context (GRCh38, chr6:39,906,990, plus strand): 5'-CTGAAAGGAGCCAGACCCCAGCCGCTGCTGGGCTAGAGGAGGGGTCTGGGGGACCCTGCA[T>A]CCTTTCCATAAAGTGGCCACCTGGCTGGAGAAACTCATTCTGGGTCTTAGACCCTGAACA-3'
Protein context (NP_001345459.1, residues 416-436): FSSQVATLWK[Gly426=]CRVPQTPPLA

ClinVar aggregate classification (germline): Uncertain significance (1 of 4 stars; one submission).

Conditions:
Sulfite oxidase deficiency due to molybdenum cofactor deficiency type A. Also called: Molybdenum cofactor deficiency, complementation group A; Molybdenum Cofactor Deficiency A. Identifiers: Orphanet 308386, Orphanet 833, MedGen C1854988, MONDO:0009643, OMIM 252150.

Submission:

Labcorp Genetics (formerly Invitae), Labcorp
Classification: Uncertain significance for Sulfite oxidase deficiency due to molybdenum cofactor deficiency type A. Last evaluated: 2022-03-19. Review status: criteria provided, single submitter. Criteria: Invitae Variant Classification Sherloc (09022015). Collection method: clinical testing. Allele origin: germline.
Comment: In summary, the available evidence is currently insufficient to determine the role of this variant in disease. Therefore, it has been classified as a Variant of Uncertain Significance. This variant has not been reported in the literature in individuals affected with MOCS1-related conditions. This variant is not present in population databases (gnomAD no frequency). This sequence change affects codon 426 of the MOCS1 mRNA. It is a 'silent' change, meaning that it does not change the encoded amino acid sequence of the MOCS1 protein.